The following continues an entry in ClinVar:

NM_007294.4(BRCA1):c.4484+1G>A

Gene: BRCA1. ClinVar aggregate classification (germline): Pathogenic. Pathogenic (11).

Submissions 9 to 17 of 17:

Laboratory for Molecular Medicine, Mass General Brigham Personalized Medicine
Classification: Pathogenic for Hereditary breast ovarian cancer syndrome. Last evaluated: 2017-07-20. Review status: criteria provided, single submitter. Criteria: LMM Criteria. Collection method: clinical testing. Allele origin: germline. Inheritance: Autosomal dominant inheritance. Observed: 2 variant alleles.
Comment: The c.4484+1G>A variant in BRCA1 (referred to as IVS14+1G>A by some studies) has been reported in at least 3 individuals with BRCA1-associated cancers (Mannan e t al. 2016, Juwle et al. 2012, Perkowska et al. 2003). It has also been reported by other clinical laboratories in ClinVar (Variation ID# 37596) and was absent from large population studies. This variant occurs in the invariant region (+/- 1,2) of the splice consensus sequence and has been shown to lead to skipping of exon 14 (Xiong et al. 2015, Steffensen et al. 2014), leading to a frameshift and premature termination 10 amino acids downstream of exon 13 (Houdayer et al. 201 2, Perkowska et al. 2003). Heterozygous loss of function of the BRCA1 gene is an established disease mechanism in individuals with hereditary breast and ovarian cancer (HBOC). In summary, this variant meets criteria to be classified as path ogenic for HBOC in an autosomal dominant manner based upon impact to the prote in, absence from controls and functional evidence.

Bioinformatics dept., Datar Cancer Genetics Limited, India
Classification: Pathogenic for Breast-ovarian cancer, familial, susceptibility to, 1. Last evaluated: 2017-07-12. Review status: criteria provided, single submitter. Criteria: ACMG Guidelines, 2015. Collection method: clinical testing. Allele origin: germline. Inheritance: Autosomal dominant inheritance. Affected: yes. Observed: 1 variant allele, 1 compound heterozygote.

Consortium of Investigators of Modifiers of BRCA1/2 (CIMBA), c/o University of Cambridge
Classification: Pathogenic for Breast-ovarian cancer, familial, susceptibility to, 1. Last evaluated: 2015-10-02. Review status: criteria provided, single submitter. Criteria: CIMBA Mutation Classification guidelines May 2016. Collection method: clinical testing. Allele origin: germline.

KCCC/NGS Laboratory, Kuwait Cancer Control Center
Classification: Likely pathogenic for Breast-ovarian cancer, familial, susceptibility to, 1. Last evaluated: 2023-05-05. Review status: no assertion criteria provided. Collection method: clinical testing. Allele origin: germline. Affected: yes. Not counted in ClinVar's aggregate classification.
Comment: A mutation that affects a splice site in the BRCA1 gene was detected in this specimen. This mutation is considered as “likely pathogenic”. Pathogenic mutations in the BRCA1 gene cause Hereditary Breast/Ovarian Cancer syndrome (HBOC).

Counsyl
Classification: Pathogenic for Breast-ovarian cancer, familial, susceptibility to, 1. Last evaluated: 2017-12-29. Review status: no assertion criteria provided. Collection method: clinical testing. Allele origin: unknown. Not counted in ClinVar's aggregate classification.

Research Molecular Genetics Laboratory, Women's College Hospital, University of Toronto
Classification: Pathogenic for Hereditary breast ovarian cancer syndrome. Last evaluated: 2014-01-31. Review status: no assertion criteria provided. Collection method: research. Allele origin: germline. Affected: yes. Study: The Canadian Open Genetics Repository (COGR). Not counted in ClinVar's aggregate classification.

Sharing Clinical Reports Project (SCRP)
Classification: Pathogenic for Breast-ovarian cancer, familial 1. Last evaluated: 2012-05-01. Review status: no assertion criteria provided. Collection method: clinical testing. Allele origin: germline. Not counted in ClinVar's aggregate classification.

Breast Cancer Information Core (BIC) (BRCA1)
Classification: Pathogenic for Breast-ovarian cancer, familial 1. Last evaluated: 2004-02-20. Review status: no assertion criteria provided. Collection method: clinical testing. Allele origin: germline. Affected: yes. Observed: 2 variant alleles. Not counted in ClinVar's aggregate classification.

Department of Pathology and Laboratory Medicine, Sinai Health System
Classification: Pathogenic for Malignant tumor of breast. Review status: no assertion criteria provided. Collection method: clinical testing. Allele origin: unknown. Affected: yes. Observed: 2 variant alleles. Study: The Canadian Open Genetics Repository (COGR). Not counted in ClinVar's aggregate classification.
Comment: The BRCA1 c.4484+1G>A variant was identified in 2 of 220 proband chromosomes (frequency: 0.009) from individuals or families with breast and/or ovarian cancers, and was not identified in 100 control chromosomes analyzed from healthy individuals (Perkowska 2003, Juwle 2012). The variant was also identified in dbSNP (ID: rs80358063) â€šÃ„ÃºWith Pathogenic alleleâ€šÃ„Ã¹, HGMD, LOVD, the BIC database (2X with clinical importance), UMD (1X as a causal variant), the ClinVar database (classified as a pathogenic variant by the Sharing Clinical Reports Project, derived from Myriad reports), and Gene Insight through the Canadian Open Genetics Repository (1X, classified as â€šÃ„Ãºpathogenicâ€šÃ„Ã¹ by a clinical laboratory). The c.4484+1G>A variant is predicted to cause abnormal splicing because the nucleotide substitution occurs in the invariant region of the splice consensus sequence; in addition, five in silico or computational prediction software programs (SpliceSiteFinder, MaxEntScan, NNSPLICE, GeneSplicer, HumanSpliceFinder) predict a greater than 10% difference in splicing. Furthermore, RNA transcript analysis of the variant demonstrated a skipping of exon 14 by analysis from an affected probandâ€šÃ„Ã´s blood (Perkowska 2003), and by analysis from cells lines transfected with the variant (Houdayer 2012, Steffensen 2014). In summary, based on the above information, this variant meets our laboratoryâ€šÃ„Ã´s criteria to be classified as pathogenic.

Literature cited by the submitters: PubMed 12673801 (cited by 8 submitters); PubMed 22752604 (cited by 8 submitters); PubMed 22505045 (cited by 8 submitters); PubMed 24667779 (cited by 8 submitters); PubMed 17997147 (cited by Ambry Genetics and Quest Diagnostics Nichols Institute San Juan Capistrano); PubMed 26911350 (cited by 4 submitters); PubMed 29470806 (cited by 3 submitters); PubMed 29752822 (cited by 3 submitters); PubMed 31825140 (cited by 3 submitters); PubMed 30787465 (cited by Quest Diagnostics Nichols Institute San Juan Capistrano); PubMed 29446198 (cited by Quest Diagnostics Nichols Institute San Juan Capistrano); PubMed 31159747 (cited by Quest Diagnostics Nichols Institute San Juan Capistrano); PubMed 26843898 (cited by Quest Diagnostics Nichols Institute San Juan Capistrano); PubMed 25525159 (cited by Laboratory for Molecular Medicine, Mass General Brigham Personalized Medicine); PubMed 20104584 (cited by KCCC/NGS Laboratory, Kuwait Cancer Control Center).